The following is an entry in ClinVar:

NM_001113378.2(FANCI):c.1123T>C (p.Trp375Arg)

Gene: FANCI (FA complementation group I; plus strand). Cytogenetic location: 15q26.1.
Variant type: single nucleotide variant.
Coding change: c.1123T>C on transcript NM_001113378.2 (MANE Select); coding-DNA position 1123, T replaced by C.
Protein change: p.Trp375Arg; replaces tryptophan 375 with arginine.
Molecular consequence: missense variant.
Genome position (GRCh38, 1-based): chr15:89,276,721, T>C. VCF-style: chr15-89276721-T-C. GRCh37 (hg19) VCF-style: chr15-89819952-T-C.
Other names: c.844T>C, p.Trp282Arg (NM_001376910.1); c.1123T>C, p.Trp375Arg (NM_001376911.1, NM_018193.3); short protein forms W375R, W282R.
Identifiers: ClinVar variation 2991033 (VCV002991033.3), dbSNP rs2506446156, ClinGen allele CA393741916.
Genomic context (GRCh38, chr15:89,276,721, plus strand): 5'-GAATATCTCACTAAGTTTTTCTTTTTTAACTAAGCTTTGTGTTCTTGTAGCGTTCATAGC[T>C]GGGACCATGTTACTCAGGGCCTCGTAGAACTTGGTTTCATTTTGATGGATTCATATGGGC-3'
Protein context (NP_001106849.1, residues 365-385): LEVVKNSVHS[Trp375Arg]DHVTQGLVEL

ClinVar aggregate classification (germline): Uncertain significance (1 of 4 stars; one submission).

Conditions:
Fanconi anemia (FA). Also called: Fanconi's anemia. Identifiers: Orphanet 84, MedGen C0015625, MeSH D005199, MONDO:0019391.

Submission:

Labcorp Genetics (formerly Invitae), Labcorp
Classification: Uncertain significance for Fanconi anemia. Last evaluated: 2023-10-28. Review status: criteria provided, single submitter. Criteria: Invitae Variant Classification Sherloc (09022015). Collection method: clinical testing. Allele origin: germline.
Comment: This sequence change replaces tryptophan, which is neutral and slightly polar, with arginine, which is basic and polar, at codon 375 of the FANCI protein (p.Trp375Arg). This variant is not present in population databases (gnomAD no frequency). This variant has not been reported in the literature in individuals affected with FANCI-related conditions. Advanced modeling of protein sequence and biophysical properties (such as structural, functional, and spatial information, amino acid conservation, physicochemical variation, residue mobility, and thermodynamic stability) performed at Invitae indicates that this missense variant is expected to disrupt FANCI protein function with a positive predictive value of 80%. In summary, the available evidence is currently insufficient to determine the role of this variant in disease. Therefore, it has been classified as a Variant of Uncertain Significance.